The following is an entry in ClinVar:

ClinVar aggregate classification (germline): Benign/Likely benign. Review status: criteria provided, multiple submitters, no conflicts (2 of 4 stars). 5 submissions from 5 submitters: Benign (1); Likely benign (4). Last evaluated 2026-01-15.

Conditions:
Hypouricemia, renal, 2. Also called: HYPOURICEMIA, RENAL, 2, AUTOSOMAL RECESSIVE; HYPOURICEMIA, RENAL, 2, AUTOSOMAL DOMINANT. Identifiers: MedGen C2677549, MONDO:0012793, OMIM 612076.

Allele frequency attached by ClinVar (database versions not stated): 1000 Genomes Project 30x 0.00016; gnomAD exomes 0.00093 and 0.00130; gnomAD 0.00095 and 0.00096; ExAC 0.00101; TOPMed 0.00104; ESP Exome Variant Server 0.00106.
gnomAD v4.1: 1,959 of 1,549,042 alleles (0.13%); highest among the groups gnomAD compares: Middle Eastern, 0.17%; 3 homozygotes.

Submissions (5):

Labcorp Genetics (formerly Invitae), Labcorp
Classification: Likely benign. Last evaluated: 2026-01-15. Review status: criteria provided, single submitter. Criteria: Invitae Variant Classification Sherloc (09022015). Collection method: clinical testing. Allele origin: germline.

Blueprint Genetics
Classification: Likely benign. Last evaluated: 2024-11-22. Review status: criteria provided, single submitter. Criteria: ACMG Guidelines, 2015. Collection method: clinical testing. Allele origin: germline.

Fulgent Genetics
Classification: Likely benign for Hypouricemia, renal, 2. Last evaluated: 2021-08-12. Review status: criteria provided, single submitter. Criteria: ACMG Guidelines, 2015. Collection method: clinical testing. Allele origin: unknown.

Illumina Laboratory Services, Illumina
Classification: Benign for Hypouricemia, renal, 2. Last evaluated: 2018-01-12. Review status: criteria provided, single submitter. Criteria: ICSL Variant Classification Criteria 13 December 2019. Collection method: clinical testing. Allele origin: germline.
Comment: This variant was observed in the ICSL laboratory as part of a predisposition screen in an ostensibly healthy population. It had not been previously curated by ICSL or reported in the Human Gene Mutation Database (HGMD: prior to June 1st, 2018), and was therefore a candidate for classification through an automated scoring system. Utilizing variant allele frequency, disease prevalence and penetrance estimates, and inheritance mode, an automated score was calculated to assess if this variant is too frequent to cause the disease. Based on the score and internal cut-off values, a variant classified as benign is not then subjected to further curation. The score for this variant resulted in a classification of benign for this disease.

Breakthrough Genomics
Classification: Likely benign. Review status: criteria provided, single submitter. Criteria: ACMG Guidelines, 2015. Collection method: not provided. Allele origin: germline. Inheritance: Autosomal dominant inheritance. Affected: yes.

NM_020041.3(SLC2A9):c.249+11G>T

Genes: SLC2A9 (solute carrier family 2 member 9; minus strand), SLC2A9-AS3 (SLC2A9 antisense RNA 3; plus strand), LOC129992244 (ATAC-STARR-seq lymphoblastoid silent region 15275; plus strand). Cytogenetic location: 4p16.1.
Variant type: single nucleotide variant.
Coding change: c.249+11G>T on transcript NM_020041.3 (MANE Select); 11 bases into the intron after coding-DNA position 249, G replaced by T.
Molecular consequence: intron variant.
Genome position (GRCh38, 1-based): chr4:10,018,964, C>A on the plus strand (G>T on the coding strand, the complement: SLC2A9 is on the minus strand). VCF-style: chr4-10018964-C-A. GRCh37 (hg19) VCF-style: chr4-10020588-C-A.
Other names: c.162+11G>T (NM_001001290.2).
Identifiers: ClinVar variation 347002 (VCV000347002.15), dbSNP rs377565288, ClinGen allele CA2857315.